The following is an entry in ClinVar:

ClinVar aggregate classification (germline): Uncertain significance. Review status: criteria provided, multiple submitters, no conflicts (2 of 4 stars). 5 submissions from 5 submitters: Uncertain significance (5). Last evaluated 2026-04-20.

Conditions:
Neuropathy, congenital hypomyelinating, 3. Identifiers: MedGen C4748608, MONDO:0020766, OMIM 618186.
Inborn genetic diseases. Identifiers: MedGen C0950123, MeSH D030342.

Allele frequency attached by ClinVar (database versions not stated): ExAC 0.00006; TOPMed 0.00017; gnomAD 0.00012; gnomAD exomes 0.00018; ESP Exome Variant Server 0.00015.

Submissions (5):

Women's Health and Genetics/Laboratory Corporation of America, LabCorp
Classification: Uncertain significance. Last evaluated: 2026-04-20. Review status: criteria provided, single submitter. Criteria: LabCorp Variant Classification Summary - May 2015. Collection method: clinical testing. Allele origin: germline.
Comment: Variant summary: CNTNAP1 c.1706C>T (p.Thr569Met) results in a non-conservative amino acid change in the encoded protein sequence. Algorithms developed to predict the effect of missense changes on protein structure and function are either unavailable or do not agree on the potential impact of this missense change. The variant allele was found at a frequency of 6.8e-05 in 251372 control chromosomes. This frequency is not significantly higher than estimated for disease-causing variants in CNTNAP1, allowing no conclusion about variant significance. To our knowledge, no occurrence of c.1706C>T in individuals affected with CNTNAP1-related conditions and no experimental evidence demonstrating its impact on protein function have been reported. ClinVar contains an entry for this variant (Variation ID: 2061262). Based on the evidence outlined above, the variant was classified as uncertain significance.

GeneDx
Classification: Uncertain significance. Last evaluated: 2025-11-22. Review status: criteria provided, single submitter. Criteria: GeneDx Variant Classification Process June 2021. Collection method: clinical testing. Allele origin: germline.
Comment: Not observed at significant frequency in large population cohorts (gnomAD); In silico analysis supports that this missense variant has a deleterious effect on protein structure/function; Has not been previously published as pathogenic or benign to our knowledge

Clinical Genomics Laboratory, Washington University in St. Louis
Classification: Uncertain significance for Neuropathy, congenital hypomyelinating, 3. Last evaluated: 2025-03-05. Review status: criteria provided, single submitter. Criteria: ACMG Guidelines, 2015. Collection method: clinical testing. Allele origin: germline.
Comment: The CNTNAP1 c.1706C>T (p.Thr569Met) variant, to our knowledge, has not been reported in the medical literature. The highest population minor allele frequency in the population database genome aggregation database (v.4.1) is 0.02% in the European non-Finnish population. Computational predictors are uncertain as to the impact of this variant on CNTNAP1 function. Due to limited information, and based on ACMG/AMP guidelines for variant interpretation (Richards S et al., PMID: 25741868), the clinical significance of this variant is uncertain at this time.

Ambry Genetics
Classification: Uncertain significance for Inborn genetic diseases. Last evaluated: 2024-05-15. Review status: criteria provided, single submitter. Criteria: Ambry Variant Classification Scheme 2023. Collection method: clinical testing. Allele origin: germline.

Labcorp Genetics (formerly Invitae), Labcorp
Classification: Uncertain significance. Last evaluated: 2024-02-24. Review status: criteria provided, single submitter. Criteria: Invitae Variant Classification Sherloc (09022015). Collection method: clinical testing. Allele origin: germline.
Comment: This sequence change replaces threonine, which is neutral and polar, with methionine, which is neutral and non-polar, at codon 569 of the CNTNAP1 protein (p.Thr569Met). This variant is present in population databases (rs200736746, gnomAD 0.01%). This variant has not been reported in the literature in individuals affected with CNTNAP1-related conditions. ClinVar contains an entry for this variant (Variation ID: 2061262). An algorithm developed to predict the effect of missense changes on protein structure and function (PolyPhen-2) suggests that this variant is likely to be disruptive. In summary, the available evidence is currently insufficient to determine the role of this variant in disease. Therefore, it has been classified as a Variant of Uncertain Significance.

NM_003632.3(CNTNAP1):c.1706C>T (p.Thr569Met)

Gene: CNTNAP1 (contactin associated protein 1; plus strand). Cytogenetic location: 17q21.2.
Variant type: single nucleotide variant.
Coding change: c.1706C>T on transcript NM_003632.3 (MANE Select); coding-DNA position 1706, C replaced by T.
Protein change: p.Thr569Met; replaces threonine 569 with methionine.
Molecular consequence: missense variant.
Genome position (GRCh38, 1-based): chr17:42,689,598, C>T. VCF-style: chr17-42689598-C-T. GRCh37 (hg19) VCF-style: chr17-40841616-C-T.
Other names: c.1706C>T (NM_003632.2); short protein forms T569M.
Identifiers: ClinVar variation 2061262 (VCV002061262.8), dbSNP rs200736746, ClinGen allele CA8581855.
Genomic context (GRCh38, chr17:42,689,598, plus strand): 5'-GTGAGCATGATGGACGCTGCTACCAGTCTTGGGATGACTTCATTTGCTACTGCGAACTGA[C>T]GGGCTACAAGGGAGAGACCTGCCACACACGTAAGCCAGATGTGGTATGGGGGGAGTCAGG-3'
Protein context (NP_003623.1, residues 559-579): WDDFICYCEL[Thr569Met]GYKGETCHTP